The following is an entry in ClinVar:

NM_201525.4(ADGRG1):c.845G>A (p.Gly282Glu)

Gene: ADGRG1 (adhesion G protein-coupled receptor G1; plus strand). Cytogenetic location: 16q21.
Variant type: single nucleotide variant.
Coding change: c.845G>A on transcript NM_201525.4 (MANE Select); coding-DNA position 845, G replaced by A.
Protein change: p.Gly282Glu; replaces glycine 282 with glutamic acid.
Molecular consequence: missense variant.
Genome position (GRCh38, 1-based): chr16:57,655,475, G>A. VCF-style: chr16-57655475-G-A. GRCh37 (hg19) VCF-style: chr16-57689387-G-A.
Other names: c.845G>A, p.Gly282Glu (NM_001145770.3, NM_001145771.3, NM_001145772.3 and 16 more transcripts); c.860G>A, p.Gly287Glu (NM_001145773.3, NM_001370433.1); c.335G>A, p.Gly112Glu (NM_001290142.2); c.320G>A, p.Gly107Glu (NM_001290143.2, NM_001290144.2, NM_001370451.1 and 2 more transcripts); c.689G>A, p.Gly230Glu (NM_001370442.1); short protein forms G287E, G282E, G112E, G107E, G230E.
Identifiers: ClinVar variation 1443988 (VCV001443988.8), dbSNP rs1175860804, ClinGen allele CA396047269.

ClinVar aggregate classification (germline): Uncertain significance (1 of 4 stars; one submission).

Allele frequency attached by ClinVar (database versions not stated): gnomAD exomes below 0.00001; TOPMed below 0.00001; gnomAD 0.00001.
gnomAD v4.1: 2 of 1,613,730 alleles (0.00012%); highest among the groups gnomAD compares: Non-Finnish European, 0.00017%; no homozygotes.

Submission:

Labcorp Genetics (formerly Invitae), Labcorp
Classification: Uncertain significance. Last evaluated: 2023-08-17. Review status: criteria provided, single submitter. Criteria: Invitae Variant Classification Sherloc (09022015). Collection method: clinical testing. Allele origin: germline.
Comment: In summary, the available evidence is currently insufficient to determine the role of this variant in disease. Therefore, it has been classified as a Variant of Uncertain Significance. Advanced modeling of protein sequence and biophysical properties (such as structural, functional, and spatial information, amino acid conservation, physicochemical variation, residue mobility, and thermodynamic stability) performed at Invitae indicates that this missense variant is not expected to disrupt ADGRG1 protein function. ClinVar contains an entry for this variant (Variation ID: 1443988). This variant has not been reported in the literature in individuals affected with ADGRG1-related conditions. This variant is not present in population databases (gnomAD no frequency). This sequence change replaces glycine, which is neutral and non-polar, with glutamic acid, which is acidic and polar, at codon 282 of the ADGRG1 protein (p.Gly282Glu).